The following is an entry in ClinVar:

NM_001394062.1(MACF1):c.544A>G (p.Ile182Val)

Gene: MACF1 (microtubule actin crosslinking factor 1; plus strand). Cytogenetic location: 1p34.3.
Variant type: single nucleotide variant.
Coding change: c.544A>G on transcript NM_001394062.1 (MANE Select); coding-DNA position 544, A replaced by G.
Protein change: p.Ile182Val; replaces isoleucine 182 with valine.
Molecular consequence: missense variant.
Genome position (GRCh38, 1-based): chr1:39,282,223, A>G. VCF-style: chr1-39282223-A-G. GRCh37 (hg19) VCF-style: chr1-39747895-A-G.
Other names: c.559A>G, p.Ile187Val (NM_012090.5); short protein forms I182V, I187V.
Identifiers: ClinVar variation 2845762 (VCV002845762.3), dbSNP rs1378951832, ClinGen allele CA339750558.

ClinVar aggregate classification (germline): Uncertain significance (1 of 4 stars; one submission).

gnomAD v4.1: 2 of 1,613,918 alleles (0.00012%); highest among the groups gnomAD compares: East Asian, 0.0022%; no homozygotes.

Submission:

Labcorp Genetics (formerly Invitae), Labcorp
Classification: Uncertain significance. Last evaluated: 2023-04-13. Review status: criteria provided, single submitter. Criteria: Invitae Variant Classification Sherloc (09022015). Collection method: clinical testing. Allele origin: germline.
Comment: This sequence change replaces isoleucine, which is neutral and non-polar, with valine, which is neutral and non-polar, at codon 187 of the MACF1 protein (p.Ile187Val). An algorithm developed to predict the effect of missense changes on protein structure and function (PolyPhen-2) suggests that this variant is likely to be disruptive. This variant is not present in population databases (gnomAD no frequency). This variant has not been reported in the literature in individuals affected with MACF1-related conditions. In summary, the available evidence is currently insufficient to determine the role of this variant in disease. Therefore, it has been classified as a Variant of Uncertain Significance.